The following is an entry in ClinVar:

NM_001849.4(COL6A2):c.1357C>T (p.Arg453Cys)

Gene: COL6A2 (collagen type VI alpha 2 chain; plus strand). Cytogenetic location: 21q22.3.
Variant type: single nucleotide variant.
Coding change: c.1357C>T on transcript NM_001849.4 (MANE Select); coding-DNA position 1357, C replaced by T.
Protein change: p.Arg453Cys; replaces arginine 453 with cysteine.
Molecular consequence: missense variant.
Genome position (GRCh38, 1-based): chr21:46,120,539, C>T. VCF-style: chr21-46120539-C-T. GRCh37 (hg19) VCF-style: chr21-47540453-C-T.
Other names: c.1357C>T, p.Arg453Cys (NM_058174.3, NM_058175.3); short protein forms R453C.
Identifiers: ClinVar variation 583348 (VCV000583348.11), dbSNP rs781742477, ClinGen allele CA10071842.
Genomic context (GRCh38, chr21:46,120,539, plus strand): 5'-GCTGAGACCCGTGGGGCCTCCCTTCCCTTCCCACAGGGGGACCCTGGCCCTGAGGGGCCC[C>T]GCGGCCTGGCTGGAGAGGTTGGCAACAAAGGAGCCAAGGTAGGGGAGCAGGGTGGGCCGC-3'
Protein context (NP_001840.3, residues 443-463): EKGDPGPEGP[Arg453Cys]GLAGEVGNKG

ClinVar aggregate classification (germline): Uncertain significance. Review status: criteria provided, multiple submitters, no conflicts (2 of 4 stars). 3 submissions from 3 submitters: Uncertain significance (3). Last evaluated 2026-01-05.

Conditions:
Inborn genetic diseases. Identifiers: MedGen C0950123, MeSH D030342.
Bethlem myopathy 1A. Also called: Bethlem myopathy 1; MYOPATHY, BENIGN CONGENITAL, WITH CONTRACTURES; Bethlem Muscular Dystrophy. Identifiers: Orphanet 610, MedGen CN029274, MONDO:0024530, OMIM 158810.

Allele frequency attached by ClinVar (database versions not stated): gnomAD 0.00001; gnomAD exomes 0.00001; TOPMed 0.00001; ExAC 0.00013.
gnomAD v4.1: 14 of 1,479,498 alleles (0.00095%); highest among the groups gnomAD compares: East Asian, 0.0051%; no homozygotes.

Submissions (3):

Labcorp Genetics (formerly Invitae), Labcorp
Classification: Uncertain significance for Bethlem myopathy 1A. Last evaluated: 2026-01-05. Review status: criteria provided, single submitter. Criteria: Invitae Variant Classification Sherloc (09022015). Collection method: clinical testing. Allele origin: germline.
Comment: This sequence change replaces arginine, which is basic and polar, with cysteine, which is neutral and slightly polar, at codon 453 of the COL6A2 protein (p.Arg453Cys). This variant is present in population databases (rs781742477, gnomAD 0.002%). This variant has not been reported in the literature in individuals affected with COL6A2-related conditions. ClinVar contains an entry for this variant (Variation ID: 583348). Invitae Evidence Modeling of protein sequence and biophysical properties (such as structural, functional, and spatial information, amino acid conservation, physicochemical variation, residue mobility, and thermodynamic stability) indicates that this missense variant is expected to disrupt COL6A2 protein function with a positive predictive value of 80%. In summary, the available evidence is currently insufficient to determine the role of this variant in disease. Therefore, it has been classified as a Variant of Uncertain Significance.

Ambry Genetics
Classification: Uncertain significance for Inborn genetic diseases. Last evaluated: 2024-12-03. Review status: criteria provided, single submitter. Criteria: Ambry Variant Classification Scheme 2023. Collection method: clinical testing. Allele origin: germline.

GeneDx
Classification: Uncertain significance. Last evaluated: 2023-08-24. Review status: criteria provided, single submitter. Criteria: GeneDx Variant Classification Process June 2021. Collection method: clinical testing. Allele origin: germline. Affected: yes.
Comment: In silico analysis supports that this missense variant has a deleterious effect on protein structure/function; Has not been previously published as pathogenic or benign to our knowledge